The following is an entry in ClinVar:

ClinVar aggregate classification (germline): Uncertain significance (1 of 4 stars; one submission).

Conditions:
X-linked intellectual disability Cabezas type (MRXSC). Also called: CABEZAS SYNDROME; MENTAL RETARDATION, X-LINKED, SYNDROMIC 15; Intellectual developmental disorder, X-linked syndromic, Cabezas type. Identifiers: Orphanet 85289, Orphanet 85293, MedGen C1845861, MONDO:0010306, OMIM 300354.

Submission:

Dasa
Classification: Uncertain significance for X-linked intellectual disability Cabezas type. Last evaluated: 2025-02-11. Review status: criteria provided, single submitter. Criteria: DASA Assertion Criteria. Collection method: clinical testing. Allele origin: germline.
Comment: NM_001079872.2(CUL4B):c.1421A>C (p.Gln474Pro) is a missense variant that results in the substitution of glutamine with proline. This variant is absent from population databases. The currently available literature and clinical evidence are not sufficient to establish a definitive association between this variant and the reported condition. Therefore, this variant is classified as a variant of uncertain significance.

NM_001079872.2(CUL4B):c.1421A>C (p.Gln474Pro)

Gene: CUL4B (cullin 4B; minus strand). Cytogenetic location: Xq24.
Variant type: single nucleotide variant.
Coding change: c.1421A>C on transcript NM_001079872.2 (MANE Select); coding-DNA position 1421, A replaced by C.
Protein change: p.Gln474Pro; replaces glutamine 474 with proline.
Molecular consequence: missense variant.
Genome position (GRCh38, 1-based): chrX:120,541,624, T>G on the plus strand (A>C on the coding strand, the complement: CUL4B is on the minus strand). VCF-style: chrX-120541624-T-G. GRCh37 (hg19) VCF-style: chrX-119675479-T-G.
Other names: c.1436A>C, p.Gln479Pro (NM_001330624.2); c.887A>C, p.Gln296Pro (NM_001369145.1); c.1475A>C, p.Gln492Pro (NM_003588.4); short protein forms Q296P, Q474P, Q479P, Q492P.
Identifiers: ClinVar variation 4882336 (VCV004882336.2).